The following is an entry in ClinVar:

ClinVar aggregate classification (germline): Uncertain significance (1 of 4 stars; one submission).

Conditions:
Cardiovascular phenotype. Identifiers: MedGen CN230736.

gnomAD v4.1: 2 of 1,550,254 alleles (0.00013%); highest among the groups gnomAD compares: Non-Finnish European, 0.00017%; no homozygotes.

Submission:

Ambry Genetics
Classification: Uncertain significance for Cardiovascular phenotype. Last evaluated: 2025-05-18. Review status: criteria provided, single submitter. Criteria: Ambry Variant Classification Scheme 2023. Collection method: clinical testing. Allele origin: germline.
Comment: The p.E1298K variant (also known as c.3892G>A), located in coding exon 2 of the ZNF469 gene, results from a G to A substitution at nucleotide position 3892. The glutamic acid at codon 1298 is replaced by lysine, an amino acid with similar properties. This amino acid position is conserved. In addition, this alteration is predicted to be tolerated by in silico analysis. Based on the available evidence, the clinical significance of this variant remains unclear.

NM_001367624.2(ZNF469):c.3976G>A (p.Glu1326Lys)

Gene: ZNF469 (zinc finger protein 469; plus strand). Cytogenetic location: 16q24.2.
Variant type: single nucleotide variant.
Coding change: c.3976G>A on transcript NM_001367624.2 (MANE Select); coding-DNA position 3976, G replaced by A.
Protein change: p.Glu1326Lys; replaces glutamic acid 1326 with lysine.
Molecular consequence: missense variant.
Genome position (GRCh38, 1-based): chr16:88,431,446, G>A. VCF-style: chr16-88431446-G-A. GRCh37 (hg19) VCF-style: chr16-88497854-G-A.
Other names: NM_001127464.1:c.3892G>A; short protein forms E1326K.
Identifiers: ClinVar variation 3987350 (VCV003987350.1).
Genomic context (GRCh38, chr16:88,431,446, plus strand): 5'-GGGGGCACACAGGCCCCAGTCTCCCACAACAGCAAGGACCCCCCTGCCCGCCAGCCTGGA[G>A]AATTTCTGGCACCCGTGGCTAACCCCTCAAGTACCGCCTGCCCCAAACCCAGTGTTCTGT-3'
Protein context (NP_001354553.1, residues 1316-1336): SKDPPARQPG[Glu1326Lys]FLAPVANPSS